The following is an entry in ClinVar:

NM_021614.4(KCNN2):c.547T>C (p.Ser183Pro)

Gene: KCNN2 (potassium calcium-activated channel subfamily N member 2; plus strand). Cytogenetic location: 5q22.3.
Variant type: single nucleotide variant.
Coding change: c.547T>C on transcript NM_021614.4 (MANE Select); coding-DNA position 547, T replaced by C.
Protein change: p.Ser183Pro; replaces serine 183 with proline.
Molecular consequence: missense variant. On other transcripts: non-coding transcript variant (1).
Genome position (GRCh38, 1-based): chr5:114,362,686, T>C. VCF-style: chr5-114362686-T-C. GRCh37 (hg19) VCF-style: chr5-113698383-T-C.
Other names: c.745T>C, p.Ser249Pro (NM_001372233.1); short protein forms S183P, S249P.
Identifiers: ClinVar variation 3362336 (VCV003362336.4).

ClinVar aggregate classification (germline): Uncertain significance. Review status: criteria provided, single submitter (1 of 4 stars). 2 submissions from 1 submitter: Uncertain significance (2). Last evaluated 2023-05-20.

Conditions:
Dystonia 34, myoclonic (DYT34). Identifiers: MedGen C5676907, MONDO:0030538, OMIM 619724.
Neurodevelopmental disorder with or without variable movement or behavioral abnormalities (NEDMAB). Identifiers: MedGen C5676908, MONDO:0859225, OMIM 619725.

gnomAD v4.1: 47 of 1,448,482 alleles (0.0032%); highest among the groups gnomAD compares: South Asian, 0.061%; no homozygotes.

Submissions (2):

Neuberg Centre For Genomic Medicine, NCGM
Classification: Uncertain significance for Neurodevelopmental disorder with or without variable movement or behavioral abnormalities. Last evaluated: 2023-05-20. Review status: criteria provided, single submitter. Criteria: ACMG Guidelines, 2015. Collection method: clinical testing. Allele origin: germline. Inheritance: Autosomal dominant inheritance. Affected: yes.
Comment: The missense c.547T>C (p.Ser183Pro) variant in the KCNN2 gene has not been reported previously as a pathogenic variant nor as a benign variant, to our knowledge. The amino acid Serine at position 183 is changed to a Proline changing protein sequence and it might alter its composition and physico-chemical properties. Multiple lines of computational evidence (SIFT – Tolerated and MutationTaster - Disease causing) predict a conflicting effect on protein structure and function for this variant. The amino acid Serine in KCNN2 is predicted as conserved by GERP++ and PhyloP across 100 vertebrates. For these reasons, this variant has been classified as Uncertain Significance.

Neuberg Centre For Genomic Medicine, NCGM
Classification: Uncertain significance for Dystonia 34, myoclonic. Review status: criteria provided, single submitter. Criteria: ACMG Guidelines, 2015. Collection method: clinical testing. Allele origin: germline. Inheritance: Autosomal dominant inheritance. Affected: yes.
Comment: The observed missense variant c.547T>C(p.Ser183Pro) in the KCNN2 gene has not been reported previously as a pathogenic variant nor as a benign variant, to our knowledge. This variant is absent in the gnomAD Exomes. The amino acid Ser at position 183 is changed to a Pro changing protein sequence and it might alter its composition and physico-chemical properties. Computational evidence (SIFT - Tolerated and MutationTaster - Disease causing) predicts conflicting evidence on protein structure and function for this variant. The residue is conserved by GERP++ and PhyloP across 100 vertebrates. For these reasons, this variant has been classified as Uncertain Significance.